The following is an entry in ClinVar:

ClinVar aggregate classification (germline): Uncertain significance (1 of 4 stars; one submission).

gnomAD v4.1: 26 of 1,614,142 alleles (0.0016%); highest among the groups gnomAD compares: Non-Finnish European, 0.0022%; no homozygotes.

Submission:

Labcorp Genetics (formerly Invitae), Labcorp
Classification: Uncertain significance. Last evaluated: 2025-08-29. Review status: criteria provided, single submitter. Criteria: Invitae Variant Classification Sherloc (09022015). Collection method: clinical testing. Allele origin: germline.
Comment: This sequence change replaces glycine, which is neutral and non-polar, with arginine, which is basic and polar, at codon 800 of the ARID1A protein (p.Gly800Arg). This variant is not present in population databases (gnomAD no frequency). This variant has not been reported in the literature in individuals affected with ARID1A-related conditions. Invitae Evidence Modeling of protein sequence and biophysical properties (such as structural, functional, and spatial information, amino acid conservation, physicochemical variation, residue mobility, and thermodynamic stability) has been performed for this missense variant. However, the output from this modeling did not meet the statistical confidence thresholds required to predict the impact of this variant on ARID1A protein function. In summary, the available evidence is currently insufficient to determine the role of this variant in disease. Therefore, it has been classified as a Variant of Uncertain Significance.

NM_006015.6(ARID1A):c.2398G>C (p.Gly800Arg)

Gene: ARID1A (AT-rich interaction domain 1A; plus strand). Cytogenetic location: 1p36.11.
Variant type: single nucleotide variant.
Coding change: c.2398G>C on transcript NM_006015.6 (MANE Select); coding-DNA position 2398, G replaced by C.
Protein change: p.Gly800Arg; replaces glycine 800 with arginine.
Molecular consequence: missense variant.
Genome position (GRCh38, 1-based): chr1:26,762,298, G>C. VCF-style: chr1-26762298-G-C. GRCh37 (hg19) VCF-style: chr1-27088789-G-C.
Other names: c.2398G>C, p.Gly800Arg (NM_139135.4); short protein forms G800R.
Identifiers: ClinVar variation 4697808 (VCV004697808.1).